The following is an entry in ClinVar:

ClinVar aggregate classification (germline): Uncertain significance. Review status: criteria provided, single submitter (1 of 4 stars). 2 submissions from 2 submitters: Uncertain significance (1). 1 of the submissions does not count toward it. Last evaluated 2026-05-29.

Conditions:
VPS13B-related disorder. Also called: VPS13B-related condition.
Cohen syndrome (COH1). Also called: PEPPER SYNDROME; Cutis verticis gyrata, retinitis pigmentosa, and sensorineural deafness. Identifiers: Orphanet 193, MedGen C0265223, MONDO:0008999, OMIM 216550.

Submissions (2):

PreventionGenetics, part of Exact Sciences
Classification: Uncertain significance for VPS13B-related condition. Last evaluated: 2026-05-29. Review status: criteria provided, single submitter. Criteria: ACMG Guidelines, 2015. Collection method: clinical testing. Allele origin: germline.
Comment: The VPS13B c.10907C>A variant is predicted to result in the amino acid substitution p.Ala3636Glu. To our knowledge, this variant has not been reported in the literature or in a large population database (gnomAD), indicating this variant is rare. At this time, the clinical significance of this variant is uncertain due to the absence of conclusive functional and genetic evidence.

Natera, Inc.
Classification: Uncertain significance for Cohen syndrome. Last evaluated: 2025-01-30. Review status: no assertion criteria provided. Collection method: clinical testing. Allele origin: germline. Not counted in ClinVar's aggregate classification.

NM_152564.5(VPS13B):c.10907C>A (p.Ala3636Glu)

Gene: VPS13B (vacuolar protein sorting 13 homolog B; plus strand). Cytogenetic location: 8q22.2.
Variant type: single nucleotide variant.
Coding change: c.10907C>A on transcript NM_152564.5 (MANE Select); coding-DNA position 10907, C replaced by A.
Protein change: p.Ala3636Glu; replaces alanine 3636 with glutamic acid.
Molecular consequence: missense variant.
Genome position (GRCh38, 1-based): chr8:99,859,343, C>A. VCF-style: chr8-99859343-C-A. GRCh37 (hg19) VCF-style: chr8-100871571-C-A.
Other names: c.10982C>A, p.Ala3661Glu (NM_017890.5); short protein forms A3636E, A3661E.
Identifiers: ClinVar variation 4063240 (VCV004063240.2).